The following is an entry in ClinVar:

ClinVar aggregate classification (germline): Uncertain significance. Review status: criteria provided, multiple submitters, no conflicts (2 of 4 stars). 5 submissions from 5 submitters: Uncertain significance (5). Last evaluated 2025-04-10.

Conditions:
Hidrotic ectodermal dysplasia syndrome (GJB6). Also called: Ectodermal dysplasia 2, hidrotic; Autosomal dominant hidrotic ectodermal dysplasia; Clouston syndrome; Clouston's hidrotic ectodermal dysplasia; ECTODERMAL DYSPLASIA 2, CLOUSTON TYPE; Hidrotic ectodermal dysplasia. Identifiers: Orphanet 189, MedGen C0162361, MONDO:0007510, OMIM 129500.
GJB6-related disorder. Also called: GJB6-related disorders.
Autosomal recessive nonsyndromic hearing loss 1A (DFNB1A). Also called: GJB2-Related Autosomal Recessive Nonsyndromic Hearing Loss; Connexin 26 deafness; Deafness nonsyndromic, Connexin 26 linked; Nonsyndromic Hearing Loss and Deafness, DFNB1; GJB6-Related DFNB 1 Nonsyndromic Hearing Loss and Deafness; Deafness, autosomal recessive 1A. Identifiers: Orphanet 90636, MedGen C2673759, MONDO:0009076, OMIM 220290.
Autosomal dominant nonsyndromic hearing loss 3B. Identifiers: Orphanet 90635, MedGen C2675237, MONDO:0012975, OMIM 612643.
Autosomal recessive nonsyndromic hearing loss 1B. Also called: DEAFNESS, AUTOSOMAL RECESSIVE 1B. Identifiers: Orphanet 90636, MedGen C2675235, MONDO:0012977, OMIM 612645.

Allele frequency attached by ClinVar (database versions not stated): gnomAD below 0.00001 and 0.00003; TOPMed 0.00001; 1000 Genomes Project 30x 0.00016; 1000 Genomes Project 0.00020; gnomAD exomes 0.00023; ExAC 0.00028.
gnomAD v4.1: 190 of 1,613,446 alleles (0.012%); highest among the groups gnomAD compares: South Asian, 0.2%; 2 homozygotes.

Submissions (5):

PreventionGenetics, part of Exact Sciences
Classification: Uncertain significance for GJB6-related condition. Last evaluated: 2025-04-10. Review status: criteria provided, single submitter. Criteria: ACMG Guidelines, 2015. Collection method: clinical testing. Allele origin: germline.
Comment: The GJB6 c.311G>A variant is predicted to result in the amino acid substitution p.Arg104His. This variant was reported in heterozygous state together with variant in GJB2 gene in an individual with hearing loss (Amritkumar et al. 2018. PubMed ID: 29921236). This variant is reported in 0.18% of alleles in individuals of South Asian descent in gnomAD, which is higher than expected for causative variant. Although we suspect that this variant may be benign, at this time, the clinical significance of this variant is uncertain due to the absence of conclusive functional and genetic evidence.

Labcorp Genetics (formerly Invitae), Labcorp
Classification: Uncertain significance for Autosomal dominant nonsyndromic hearing loss 3B; Hidrotic ectodermal dysplasia syndrome; Autosomal recessive nonsyndromic hearing loss 1B; Autosomal recessive nonsyndromic hearing loss 1A. Last evaluated: 2025-02-25. Review status: criteria provided, single submitter. Criteria: Invitae Variant Classification Sherloc (09022015). Collection method: clinical testing. Allele origin: germline.
Comment: This sequence change replaces arginine, which is basic and polar, with histidine, which is basic and polar, at codon 104 of the GJB6 protein (p.Arg104His). This variant is present in population databases (rs549918398, gnomAD 0.2%), and has an allele count higher than expected for a pathogenic variant. This missense change has been observed in individual(s) with deafness (PMID: 29921236). ClinVar contains an entry for this variant (Variation ID: 881661). Invitae Evidence Modeling of protein sequence and biophysical properties (such as structural, functional, and spatial information, amino acid conservation, physicochemical variation, residue mobility, and thermodynamic stability) indicates that this missense variant is not expected to disrupt GJB6 protein function with a negative predictive value of 80%. In summary, the available evidence is currently insufficient to determine the role of this variant in disease. Therefore, it has been classified as a Variant of Uncertain Significance.

Blueprint Genetics
Classification: Uncertain significance. Last evaluated: 2024-03-01. Review status: criteria provided, single submitter. Criteria: ACMG Guidelines, 2015. Collection method: clinical testing. Allele origin: germline.

GeneDx
Classification: Uncertain significance. Last evaluated: 2020-01-03. Review status: criteria provided, single submitter. Criteria: GeneDx Variant Classification Process June 2021. Collection method: clinical testing. Allele origin: germline. Affected: yes.
Comment: Observed in three affected members of a nuclear family with hearing loss, and two of these individuals were also heterozygous for a variant in the GJB2 gene (Amritkumar et al., 2018); Located in the less-conserved cytoplasmic loop region of connexin 30; In silico analysis, which includes protein predictors and evolutionary conservation, supports that this variant does not alter protein structure/function; This variant is associated with the following publications: (PMID: 29921236)

Illumina Laboratory Services, Illumina
Classification: Uncertain significance for Hidrotic ectodermal dysplasia syndrome. Last evaluated: 2018-01-15. Review status: criteria provided, single submitter. Criteria: ICSL Variant Classification Criteria 13 December 2019. Collection method: clinical testing. Allele origin: germline.

Literature cited by the submitters: PubMed 29921236 (cited by Labcorp Genetics (formerly Invitae), Labcorp).

NM_001110219.3(GJB6):c.311G>A (p.Arg104His)

Gene: GJB6 (gap junction protein beta 6; minus strand). Cytogenetic location: 13q12.11.
Variant type: single nucleotide variant.
Coding change: c.311G>A on transcript NM_001110219.3 (MANE Select); coding-DNA position 311, G replaced by A.
Protein change: p.Arg104His; replaces arginine 104 with histidine.
Molecular consequence: missense variant.
Genome position (GRCh38, 1-based): chr13:20,223,170, C>T on the plus strand (G>A on the coding strand, the complement: GJB6 is on the minus strand). VCF-style: chr13-20223170-C-T. GRCh37 (hg19) VCF-style: chr13-20797309-C-T.
Other names: c.311G>A, p.Arg104His (NM_001110220.3, NM_001110221.3, NM_001370090.1 and 3 more transcripts); c.311G>A (NM_001110219.2); short protein forms R104H.
Identifiers: ClinVar variation 881661 (VCV000881661.8), dbSNP rs549918398, ClinGen allele CA6904469.